The following is an entry in ClinVar:

NM_001130438.3(SPTAN1):c.4058C>G (p.Ser1353Cys)

Gene: SPTAN1 (spectrin alpha, non-erythrocytic 1; plus strand). Cytogenetic location: 9q34.11.
Variant type: single nucleotide variant.
Coding change: c.4058C>G on transcript NM_001130438.3 (MANE Select); coding-DNA position 4058, C replaced by G.
Protein change: p.Ser1353Cys; replaces serine 1353 with cysteine.
Molecular consequence: missense variant.
Genome position (GRCh38, 1-based): chr9:128,607,615, C>G. VCF-style: chr9-128607615-C-G. GRCh37 (hg19) VCF-style: chr9-131369894-C-G.
Other names: c.3998C>G, p.Ser1333Cys (NM_001195532.2, NM_001363765.2); c.4058C>G, p.Ser1353Cys (NM_001363759.2, NM_003127.4); short protein forms S1353C, S1333C.
Identifiers: ClinVar variation 576808 (VCV000576808.10), dbSNP rs1564278853, ClinGen allele CA375065731.

ClinVar aggregate classification (germline): Uncertain significance (1 of 4 stars; one submission).

Conditions:
Early-infantile DEE. Also called: Early infantile epileptic encephalopathy with suppression bursts; Early infantile epileptic encephalopathy; Ohtahara syndrome. Identifiers: Orphanet 1934, MedGen C0393706, MONDO:0800491.

Allele frequency attached by ClinVar (database versions not stated): gnomAD exomes below 0.00001; gnomAD 0.00001.
gnomAD v4.1: 3 of 1,613,834 alleles (0.00019%); highest among the groups gnomAD compares: African/African-American, 0.0013%; no homozygotes.

Submission:

Labcorp Genetics (formerly Invitae), Labcorp
Classification: Uncertain significance for Early-infantile DEE. Last evaluated: 2024-06-15. Review status: criteria provided, single submitter. Criteria: Invitae Variant Classification Sherloc (09022015). Collection method: clinical testing. Allele origin: germline.
Comment: This sequence change replaces serine, which is neutral and polar, with cysteine, which is neutral and slightly polar, at codon 1353 of the SPTAN1 protein (p.Ser1353Cys). This variant is not present in population databases (gnomAD no frequency). This variant has not been reported in the literature in individuals affected with SPTAN1-related conditions. ClinVar contains an entry for this variant (Variation ID: 576808). Advanced modeling of protein sequence and biophysical properties (such as structural, functional, and spatial information, amino acid conservation, physicochemical variation, residue mobility, and thermodynamic stability) has been performed at Invitae for this missense variant, however the output from this modeling did not meet the statistical confidence thresholds required to predict the impact of this variant on SPTAN1 protein function. In summary, the available evidence is currently insufficient to determine the role of this variant in disease. Therefore, it has been classified as a Variant of Uncertain Significance.